The following is an entry in ClinVar:

NM_020207.7(ERCC6L2):c.4220C>G (p.Thr1407Arg)

Gene: ERCC6L2 (ERCC excision repair 6 like 2; plus strand). Cytogenetic location: 9q22.32.
Variant type: single nucleotide variant.
Coding change: c.4220C>G on transcript NM_020207.7 (MANE Select); coding-DNA position 4220, C replaced by G.
Protein change: p.Thr1407Arg; replaces threonine 1407 with arginine.
Molecular consequence: missense variant. On other transcripts: non-coding transcript variant (1), intron variant (2).
Genome position (GRCh38, 1-based): chr9:96,012,770, C>G. VCF-style: chr9-96012770-C-G. GRCh37 (hg19) VCF-style: chr9-98775052-C-G.
Other names: c.3674+8069C>G (NM_001375291.1, NM_001375292.1); short protein forms T1407R.
Identifiers: ClinVar variation 2133399 (VCV002133399.3), dbSNP rs746685635, ClinGen allele CA5140081.

ClinVar aggregate classification (germline): Uncertain significance (1 of 4 stars; one submission).

Allele frequency attached by ClinVar (database versions not stated): ExAC 0.00001.
gnomAD v4.1: 1 of 1,367,558 alleles (0.000073%); highest among the groups gnomAD compares: Admixed American, 0.0019%; no homozygotes.

Submission:

Labcorp Genetics (formerly Invitae), Labcorp
Classification: Uncertain significance. Last evaluated: 2022-10-21. Review status: criteria provided, single submitter. Criteria: Invitae Variant Classification Sherloc (09022015). Collection method: clinical testing. Allele origin: germline.
Comment: This variant is present in population databases (rs746685635, gnomAD 0.003%). This sequence change replaces threonine, which is neutral and polar, with arginine, which is basic and polar, at codon 1418 of the ERCC6L2 protein (p.Thr1418Arg). In summary, the available evidence is currently insufficient to determine the role of this variant in disease. Therefore, it has been classified as a Variant of Uncertain Significance. Algorithms developed to predict the effect of missense changes on protein structure and function are either unavailable or do not agree on the potential impact of this missense change (SIFT: "Deleterious"; PolyPhen-2: "Not Available"; Align-GVGD: "Class C0"). This variant has not been reported in the literature in individuals affected with ERCC6L2-related conditions.